The following is an entry in ClinVar:

ClinVar aggregate classification (germline): Uncertain significance (1 of 4 stars; one submission).

Conditions:
TPM3-related disorder. Also called: TPM3-related condition.

Submission:

PreventionGenetics, part of Exact Sciences
Classification: Uncertain significance for TPM3-related condition. Last evaluated: 2026-07-16. Review status: criteria provided, single submitter. Criteria: ACMG Guidelines, 2015. Collection method: clinical testing. Allele origin: germline.
Comment: The TPM3 c.488T>A variant is predicted to result in the amino acid substitution p.Leu163Gln. To our knowledge, this variant has not been reported in the literature or in a large population database (gnomAD), indicating this variant is rare. At this time, the clinical significance of this variant is uncertain due to the absence of conclusive functional and genetic evidence.

NM_152263.4(TPM3):c.567-584T>A

Gene: TPM3 (tropomyosin 3; minus strand). Cytogenetic location: 1q21.3.
Variant type: single nucleotide variant.
Coding change: c.567-584T>A on transcript NM_152263.4 (MANE Select); 584 bases into the intron before coding-DNA position 567, T replaced by A.
Molecular consequence: intron variant. On other transcripts: missense variant (8), non-coding transcript variant (1).
Genome position (GRCh38, 1-based): chr1:154,172,072, A>T on the plus strand (T>A on the coding strand, the complement: TPM3 is on the minus strand). VCF-style: chr1-154172072-A-T. GRCh37 (hg19) VCF-style: chr1-154144548-A-T.
Other names: c.488T>A, p.Leu163Gln (NM_001043352.2, NM_001278189.2, NM_001278190.2 and 2 more transcripts); c.290T>A, p.Leu97Gln (NM_001278188.2); c.599T>A, p.Leu200Gln (NM_001364680.2, NM_001364682.1); c.567-584T>A (NM_001364679.2, NM_001364681.2); c.456-584T>A (NM_001043351.2, NM_001043353.2, NM_001349679.2); c.186-584T>A (NM_001278191.2); short protein forms L200Q, L163Q, L97Q.
Identifiers: ClinVar variation 4997320 (VCV004997320.1).